The following is an entry in ClinVar:

NM_001111.5(ADAR):c.15+104GT[9]

Gene: ADAR (adenosine deaminase RNA specific; minus strand). Cytogenetic location: 1q21.3.
Variant type: Microsatellite.
Coding change: c.15+104GT[9] on transcript NM_001111.5 (MANE Select); nine copies in a row of the 2-base unit GT starting at c.15+104; the reference has eight copies in a row; one copy, 2 bases duplicated.
Molecular consequence: intron variant.
Genome position (GRCh38, 1-based): chr1:154,607,873-154,607,874, AC duplicated on the plus strand (GT on the coding strand, the reverse complement: ADAR is on the minus strand); duplicating any 2 consecutive bases within chr1:154,607,873-154,607,888 gives the same sequence; the position shown is the placement nearest the transcript's 3' end. VCF-style (leftmost placement, unchanged base first): chr1-154607872-G-GAC. GRCh37 (hg19) VCF-style: chr1-154580348-G-GAC.
Other names: c.-734-5262GT[9] (NM_001365046.1); c.43-5262GT[9] (NM_001365045.1); c.-870-5262GT[9] (NM_001025107.3); c.-871+863GT[9] (NM_001365048.1); c.-735+104GT[9] (NM_001365049.1, NM_001365047.1); c.15+104GT[9] (NM_015841.4, NM_015840.4).
Identifiers: ClinVar variation 1264253 (VCV001264253.4), dbSNP rs71586026, ClinGen allele CA30814328.

ClinVar aggregate classification (germline): Benign. Review status: criteria provided, multiple submitters, no conflicts (2 of 4 stars). 2 submissions from 2 submitters: Benign (2). Last evaluated 2023-11-12.

Submissions (2):

Unidad de Genómica Garrahan, Hospital de Pediatría Garrahan
Classification: Benign. Last evaluated: 2023-11-12. Review status: criteria provided, single submitter. Criteria: ACMG Guidelines, 2015. Collection method: clinical testing. Allele origin: germline. Affected: no. Observed: 38 variant alleles.
Comment: This variant is classified as Benign based on local population frequency. This variant was detected in 40% of patients studied by a panel of primary immunodeficiencies. Number of patients: 38. Only high quality variants are reported.

GeneDx
Classification: Benign. Last evaluated: 2019-08-10. Review status: criteria provided, single submitter. Criteria: GeneDx Variant Classification Process June 2021. Collection method: clinical testing. Allele origin: germline. Affected: yes.